The following is an entry in ClinVar:

NM_000016.6(ACADM):c.286+14A>G

Gene: ACADM (acyl-CoA dehydrogenase medium chain; plus strand). Cytogenetic location: 1p31.1.
Variant type: single nucleotide variant.
Coding change: c.286+14A>G on transcript NM_000016.6 (MANE Select); 14 bases into the intron after coding-DNA position 286, A replaced by G.
Molecular consequence: intron variant.
Genome position (GRCh38, 1-based): chr1:75,732,936, A>G. VCF-style: chr1-75732936-A-G. GRCh37 (hg19) VCF-style: chr1-76198621-A-G.
Other names: c.298+14A>G (NM_001127328.3); c.286+14A>G (NM_001286043.2); c.178+14A>G (NM_001286042.2); c.-100+14A>G (NM_001286044.2).
Identifiers: ClinVar variation 668336 (VCV000668336.4), dbSNP rs1570862121, ClinGen allele CA915941313.

ClinVar aggregate classification (germline): Likely benign. Review status: criteria provided, multiple submitters, no conflicts (2 of 4 stars). 2 submissions from 2 submitters: Likely benign (2). Last evaluated 2025-06-09.

Conditions:
Medium-chain acyl-coenzyme A dehydrogenase deficiency (ACADMD). Also called: CARNITINE DEFICIENCY SECONDARY TO MEDIUM-CHAIN ACYL-CoA DEHYDROGENASE DEFICIENCY; Medium chain acyl-CoA dehydrogenase deficiency; ACADM DEFICIENCY; MCADD; MCAD Deficiency; MCADH DEFICIENCY. Identifiers: Orphanet 42, MedGen C0220710, MONDO:0008721, OMIM 201450.

gnomAD v4.1: 7 of 1,613,464 alleles (0.00043%); highest among the groups gnomAD compares: Non-Finnish European, 0.00059%; no homozygotes.

Submissions (2):

Labcorp Genetics (formerly Invitae), Labcorp
Classification: Likely benign for Medium-chain acyl-coenzyme A dehydrogenase deficiency. Last evaluated: 2025-06-09. Review status: criteria provided, single submitter. Criteria: Invitae Variant Classification Sherloc (09022015). Collection method: clinical testing. Allele origin: germline.

GeneDx
Classification: Likely benign. Last evaluated: 2018-05-21. Review status: criteria provided, single submitter. Criteria: GeneDx Variant Classification (06012015). Collection method: clinical testing. Allele origin: germline. Affected: yes.
Comment: This variant is considered likely benign or benign based on one or more of the following criteria: it is a conservative change, it occurs at a poorly conserved position in the protein, it is predicted to be benign by multiple in silico algorithms, and/or has population frequency not consistent with disease.